The following is an entry in ClinVar:

NM_004329.3(BMPR1A):c.-152-219del

Gene: BMPR1A (bone morphogenetic protein receptor type 1A; plus strand). Cytogenetic location: 10q23.2.
Variant type: Deletion.
Coding change: c.-152-219del on transcript NM_004329.3 (MANE Select); 219 bases into the intron before 152 bases upstream of the start codon, one base deleted (T; older notation c.-152-219delT).
Molecular consequence: intron variant.
Genome position (GRCh38, 1-based): chr10:86,875,648, T deleted. VCF-style (leftmost placement, unchanged base first): chr10-86875647-AT-A. GRCh37 (hg19) VCF-style: chr10-88635404-AT-A.
Other names: c.-152-219delT (NM_004329.2).
Identifiers: ClinVar variation 679750 (VCV000679750.1), dbSNP rs5786750, ClinGen allele CA211238716.

ClinVar aggregate classification (germline): Benign (1 of 4 stars; one submission).

Allele frequency attached by ClinVar (database versions not stated): gnomAD 0.04095 and 0.04155; TOPMed 0.04378; 1000 Genomes Project 30x 0.06309; 1000 Genomes Project 0.06530.

Submission:

GeneDx
Classification: Benign. Last evaluated: 2018-06-18. Review status: criteria provided, single submitter. Criteria: GeneDx Variant Classification (06012015). Collection method: clinical testing. Allele origin: germline. Affected: yes.
Comment: This variant is considered likely benign or benign based on one or more of the following criteria: it is a conservative change, it occurs at a poorly conserved position in the protein, it is predicted to be benign by multiple in silico algorithms, and/or has population frequency not consistent with disease.